The following is an entry in ClinVar:

ClinVar aggregate classification (germline): Uncertain significance (1 of 4 stars; one submission).

Conditions:
Retinoblastoma (RB1). Also called: RETINOBLASTOMA, SOMATIC. Identifiers: Orphanet 790, MedGen C0035335, MeSH D012175, MONDO:0008380, OMIM 180200, HP:0009919. Disease mechanism: loss of function. Inheritance: Both sporadic and heritable forms are tested..

Submission:

Labcorp Genetics (formerly Invitae), Labcorp
Classification: Uncertain significance for Retinoblastoma. Last evaluated: 2024-07-16. Review status: criteria provided, single submitter. Criteria: Invitae Variant Classification Sherloc (09022015). Collection method: clinical testing. Allele origin: germline.
Comment: This variant occurs in a non-coding region of the RB1 gene. It does not change the encoded amino acid sequence of the RB1 protein. This variant is not present in population databases (gnomAD no frequency). This variant has not been reported in the literature in individuals affected with RB1-related conditions. Experimental studies and prediction algorithms are not available or were not evaluated, and the functional significance of this variant is currently unknown. In summary, the available evidence is currently insufficient to determine the role of this variant in disease. Therefore, it has been classified as a Variant of Uncertain Significance.

NC_000013.11:g.48303733C>T

Gene: RB1 (RB transcriptional corepressor 1; plus strand). Cytogenetic location: 13q14.2.
Variant type: single nucleotide variant.
Genome position: GRCh38 VCF-style: chr13-48303733-C-T. GRCh37 (hg19) VCF-style: chr13-48877869-C-T.
Identifiers: ClinVar variation 3704595 (VCV003704595.2).
Genomic context (GRCh38, chr13:48,303,733, plus strand): 5'-CGCCGGCGGGCCCGGGAGCCTCGCGGACGTGACGCCGCGGGCGGAAGTGACGTTTTCCCG[C>T]GGTTGGACGCGGCGCTCAGTTGCCGGGCGGGGGAGGGCGCGTCCGGTTTTTCTCAGGGGA-3'